The following is an entry in ClinVar:

NM_022168.4(IFIH1):c.1564A>G (p.Lys522Glu)

Gene: IFIH1 (interferon induced with helicase C domain 1; minus strand). Cytogenetic location: 2q24.2.
Variant type: single nucleotide variant.
Coding change: c.1564A>G on transcript NM_022168.4 (MANE Select); coding-DNA position 1564, A replaced by G.
Protein change: p.Lys522Glu; replaces lysine 522 with glutamic acid.
Molecular consequence: missense variant.
Genome position (GRCh38, 1-based): chr2:162,280,073, T>C on the plus strand (A>G on the coding strand, the complement: IFIH1 is on the minus strand). VCF-style: chr2-162280073-T-C. GRCh37 (hg19) VCF-style: chr2-163136583-T-C.
Other names: c.1564A>G, p.Lys522Glu (LRG_1235t1); c.1564A>G (NM_022168.2); short protein forms K522E.
Identifiers: ClinVar variation 636519 (VCV000636519.4), dbSNP rs755455478, ClinGen allele CA1934485.

ClinVar aggregate classification (germline): Uncertain significance. Review status: criteria provided, multiple submitters, no conflicts (2 of 4 stars). 3 submissions from 3 submitters: Uncertain significance (3). Last evaluated 2025-09-27.

Conditions:
Inborn genetic diseases. Identifiers: MedGen C0950123, MeSH D030342.
Aicardi-Goutieres syndrome 7 (AGS7). Identifiers: Orphanet 51, MedGen C3888244, MONDO:0014367, OMIM 615846.
Singleton-Merten syndrome 1 (SGMRT1). Also called: Widened medullary cavities of bone, aortic calcification, abnormal dentition, and muscular weakness; Syndrome of widened medullary cavities of the metacarpals and phalanges, aortic calcification and abnormal dentition. Identifiers: Orphanet 85191, MedGen C4225427, MONDO:0024535, OMIM 182250.

Allele frequency attached by ClinVar (database versions not stated): gnomAD exomes below 0.00001; ExAC 0.00001.

Submissions (3):

Ambry Genetics
Classification: Uncertain significance for Inborn genetic diseases. Last evaluated: 2025-09-27. Review status: criteria provided, single submitter. Criteria: Ambry Variant Classification Scheme 2023. Collection method: clinical testing. Allele origin: germline.

Labcorp Genetics (formerly Invitae), Labcorp
Classification: Uncertain significance for Aicardi-Goutieres syndrome 7; Singleton-Merten syndrome 1. Last evaluated: 2025-03-05. Review status: criteria provided, single submitter. Criteria: Invitae Variant Classification Sherloc (09022015). Collection method: clinical testing. Allele origin: germline.
Comment: This sequence change replaces lysine, which is basic and polar, with glutamic acid, which is acidic and polar, at codon 522 of the IFIH1 protein (p.Lys522Glu). This variant is present in population databases (rs755455478, gnomAD 0.0009%). This variant has not been reported in the literature in individuals affected with IFIH1-related conditions. ClinVar contains an entry for this variant (Variation ID: 636519). An algorithm developed to predict the effect of missense changes on protein structure and function outputs the following: PolyPhen-2: "Benign". The glutamic acid amino acid residue is found in multiple mammalian species, which suggests that this missense change does not adversely affect protein function. In summary, the available evidence is currently insufficient to determine the role of this variant in disease. Therefore, it has been classified as a Variant of Uncertain Significance.

Blueprint Genetics
Classification: Uncertain significance. Last evaluated: 2022-09-15. Review status: criteria provided, single submitter. Criteria: ACMG Guidelines, 2015. Collection method: clinical testing. Allele origin: germline.